The following is an entry in ClinVar:

ClinVar aggregate classification (germline): Uncertain significance (1 of 4 stars; one submission).

Conditions:
Febrile seizures, familial, 11 (FEB11). Also called: CONVULSIONS, FAMILIAL FEBRILE, 11. Identifiers: MedGen C3280734, MONDO:0024566, OMIM 614418.

Submission:

Labcorp Genetics (formerly Invitae), Labcorp
Classification: Uncertain significance for Febrile seizures, familial, 11. Last evaluated: 2019-02-04. Review status: criteria provided, single submitter. Criteria: Invitae Variant Classification Sherloc (09022015). Collection method: clinical testing. Allele origin: germline.
Comment: In summary, the available evidence is currently insufficient to determine the role of this variant in disease. Therefore, it has been classified as a Variant of Uncertain Significance. This variant has not been reported in the literature in individuals with CPA6-related conditions. This variant results in a copy number gain of the genomic region encompassing the full coding sequence of the CPA6 gene. The boundaries of this event are unknown as they extend beyond the assayed region for this gene and therefore may encompass additional genes. As the precise location of this event is unknown, it may be in tandem or it may be located elsewhere in the genome.

NC_000008.11:g.(?_67422484)_(67746149_?)dup

Gene: CPA6 (carboxypeptidase A6; minus strand). Cytogenetic location: 8q13.2.
Variant type: Duplication.
Identifiers: ClinVar variation 830900 (VCV000830900.8).